The following is an entry in ClinVar:

NM_173076.3(ABCA12):c.5382-2A>G

Gene: ABCA12 (ATP binding cassette subfamily A member 12; minus strand). Cytogenetic location: 2q35.
Variant type: single nucleotide variant.
Coding change: c.5382-2A>G on transcript NM_173076.3 (MANE Select); the canonical splice acceptor site of the intron before coding-DNA position 5382, A replaced by G.
Molecular consequence: splice acceptor variant.
Genome position (GRCh38, 1-based): chr2:214,974,866, T>C on the plus strand (A>G on the coding strand, the complement: ABCA12 is on the minus strand). VCF-style: chr2-214974866-T-C. GRCh37 (hg19) VCF-style: chr2-215839590-T-C.
Other names: c.4428-2A>G (NM_015657.4).
Identifiers: ClinVar variation 3020766 (VCV003020766.3), dbSNP rs1189134560, ClinGen allele CA350456601.

ClinVar aggregate classification (germline): Likely pathogenic (1 of 4 stars; one submission).

Allele frequency attached by ClinVar (database versions not stated): gnomAD exomes 0.00001.
gnomAD v4.1: 3 of 1,613,382 alleles (0.00019%); highest among the groups gnomAD compares: Non-Finnish European, 0.00025%; no homozygotes.

Submission:

Labcorp Genetics (formerly Invitae), Labcorp
Classification: Likely pathogenic. Last evaluated: 2023-06-17. Review status: criteria provided, single submitter. Criteria: Invitae Variant Classification Sherloc (09022015). Collection method: clinical testing. Allele origin: germline.
Comment: In summary, the currently available evidence indicates that the variant is pathogenic, but additional data are needed to prove that conclusively. Therefore, this variant has been classified as Likely Pathogenic. Algorithms developed to predict the effect of sequence changes on RNA splicing suggest that this variant may disrupt the consensus splice site. This variant has not been reported in the literature in individuals affected with ABCA12-related conditions. This variant is present in population databases (no rsID available, gnomAD 0.0009%). This sequence change affects an acceptor splice site in intron 34 of the ABCA12 gene. It is expected to disrupt RNA splicing. Variants that disrupt the donor or acceptor splice site typically lead to a loss of protein function (PMID: 16199547), and loss-of-function variants in ABCA12 are known to be pathogenic (PMID: 20672373).

Literature cited by the submitters: PubMed 16199547; PubMed 20672373.